The following is an entry in ClinVar:

NM_000410.4(HFE):c.1007-47G>A

Gene: HFE (homeostatic iron regulator; plus strand). Cytogenetic location: 6p22.2.
Variant type: single nucleotide variant.
Coding change: c.1007-47G>A on transcript NM_000410.4 (MANE Select); 47 bases into the intron before coding-DNA position 1007, G replaced by A.
Molecular consequence: intron variant.
Genome position (GRCh38, 1-based): chr6:26,094,139, G>A. VCF-style: chr6-26094139-G-A. GRCh37 (hg19) VCF-style: chr6-26094367-G-A.
Other names: c.998-47G>A (NM_001406751.1); c.1007-47G>A (NM_001384164.1); c.1007-265G>A (NM_001300749.3); c.965-47G>A (NM_139006.3); c.731-47G>A (NM_139004.3); c.689-47G>A (NM_139003.3); c.938-47G>A (NM_139009.3); c.743-47G>A (NM_139007.3); and 4 more.
Identifiers: ClinVar variation 1164200 (VCV001164200.13), dbSNP rs1572982, ClinGen allele CA3666805.

ClinVar aggregate classification (germline): Benign. Review status: criteria provided, multiple submitters, no conflicts (2 of 4 stars). 3 submissions from 3 submitters: Benign (3). Last evaluated 2025-12-15.

Conditions:
Hemochromatosis type 1 (HFE1). Also called: HFE-Related Hemochromatosis; HFE-Associated Hereditary Hemochromatosis. Identifiers: Orphanet 465508, MedGen C3469186, MONDO:0021001, OMIM 235200. Disease mechanism: loss of function.
Hereditary hemochromatosis (HFE). Identifiers: MedGen C0392514, MONDO:0006507. Disease mechanism: loss of function.

Allele frequency attached by ClinVar (database versions not stated): 1000 Genomes Project 0.59065; 1000 Genomes Project 30x 0.59338; ExAC 0.51462; ESP Exome Variant Server 0.51684; gnomAD 0.52187; TOPMed 0.53901.
gnomAD v4.1: 783,036 of 1,580,402 alleles (50%); highest among the groups gnomAD compares: East Asian, 78%; 198,301 homozygotes.

Submissions (3):

Labcorp Genetics (formerly Invitae), Labcorp
Classification: Benign for Hereditary hemochromatosis. Last evaluated: 2025-12-15. Review status: criteria provided, single submitter. Criteria: Invitae Variant Classification Sherloc (09022015). Collection method: clinical testing. Allele origin: germline.

Genome-Nilou Lab
Classification: Benign for Hemochromatosis type 1. Last evaluated: 2023-02-08. Review status: criteria provided, single submitter. Criteria: ACMG Guidelines, 2015. Collection method: clinical testing. Allele origin: germline.

GeneDx
Classification: Benign. Last evaluated: 2018-09-04. Review status: criteria provided, single submitter. Criteria: GeneDx Variant Classification Process June 2021. Collection method: clinical testing. Allele origin: germline. Affected: yes.
Comment: This variant is associated with the following publications: (PMID: 21412944)